The following is an entry in ClinVar:

ClinVar aggregate classification (germline): Uncertain significance (1 of 4 stars; one submission).

Submission:

Labcorp Genetics (formerly Invitae), Labcorp
Classification: Uncertain significance. Last evaluated: 2022-08-20. Review status: criteria provided, single submitter. Criteria: Invitae Variant Classification Sherloc (09022015). Collection method: clinical testing. Allele origin: germline.
Comment: In summary, the available evidence is currently insufficient to determine the role of this variant in disease. Therefore, it has been classified as a Variant of Uncertain Significance. Algorithms developed to predict the effect of missense changes on protein structure and function are either unavailable or do not agree on the potential impact of this missense change (SIFT: "Deleterious"; PolyPhen-2: "Possibly Damaging"; Align-GVGD: "Class C0"). This variant has not been reported in the literature in individuals affected with SCN3A-related conditions. This variant is not present in population databases (gnomAD no frequency). This sequence change replaces asparagine, which is neutral and polar, with threonine, which is neutral and polar, at codon 1134 of the SCN3A protein (p.Asn1134Thr).

NM_006922.4(SCN3A):c.3401A>C (p.Asn1134Thr)

Gene: SCN3A (sodium voltage-gated channel alpha subunit 3; minus strand). Cytogenetic location: 2q24.3.
Variant type: single nucleotide variant.
Coding change: c.3401A>C on transcript NM_006922.4 (MANE Select); coding-DNA position 3401, A replaced by C.
Protein change: p.Asn1134Thr; replaces asparagine 1134 with threonine.
Molecular consequence: missense variant.
Genome position (GRCh38, 1-based): chr2:165,115,568, T>G on the plus strand (A>C on the coding strand, the complement: SCN3A is on the minus strand). VCF-style: chr2-165115568-T-G. GRCh37 (hg19) VCF-style: chr2-165972078-T-G.
Other names: c.3254A>C, p.Asn1085Thr (NM_001081676.2, NM_001081677.2); short protein forms N1085T, N1134T.
Identifiers: ClinVar variation 1715726 (VCV001715726.5), dbSNP rs2468167644, ClinGen allele CA349035965.